The following is an entry in ClinVar:

ClinVar aggregate classification (germline): Pathogenic (1 of 4 stars; one submission).

Submission:

Labcorp Genetics (formerly Invitae), Labcorp
Classification: Pathogenic. Last evaluated: 2023-03-16. Review status: criteria provided, single submitter. Criteria: Invitae Variant Classification Sherloc (09022015). Collection method: clinical testing. Allele origin: germline.
Comment: For these reasons, this variant has been classified as Pathogenic. This variant has not been reported in the literature in individuals affected with RLBP1-related conditions. This variant is not present in population databases (gnomAD no frequency). This sequence change creates a premature translational stop signal (p.Thr44Leufs*7) in the RLBP1 gene. It is expected to result in an absent or disrupted protein product. Loss-of-function variants in RLBP1 are known to be pathogenic (PMID: 2392416, 11301032, 21447491, 25429852).

Literature cited by the submitters: PubMed 2392416; PubMed 11301032; PubMed 21447491; PubMed 25429852.

NM_000326.5(RLBP1):c.130_131del (p.Thr44fs)

Gene: RLBP1 (retinaldehyde binding protein 1; minus strand). Cytogenetic location: 15q26.1.
Variant type: Microsatellite.
Coding change: c.130_131del on transcript NM_000326.5 (MANE Select); coding-DNA positions 130 to 131, 2 bases deleted (AC; older notation c.130_131delAC).
Protein change: p.Thr44fs; shifts the reading frame from threonine 44.
Molecular consequence: frameshift variant.
Genome position (GRCh38, 1-based): chr15:89,218,575-89,218,576, GT deleted on the plus strand (AC on the coding strand, the reverse complement: RLBP1 is on the minus strand); deleting any 2 consecutive bases within chr15:89,218,575-89,218,579 gives the same sequence; the c. name uses the placement nearest the transcript's 3' end. VCF-style (leftmost placement, unchanged base first): chr15-89218574-GGT-G. GRCh37 (hg19) VCF-style: chr15-89761805-GGT-G.
Other names: short protein forms T44fs.
Identifiers: ClinVar variation 2846223 (VCV002846223.3), dbSNP rs1596185276, ClinGen allele CA919613803.
Genomic context (GRCh38, chr15:89,218,574, plus strand): 5'-CCTCATGTTGCCTCCCTAGGCTGCTCCTCTCCGCACTGTCAGCCACCTCACCTTCTGCAA[GGT>G]GTGGCGGGGCAGCTGGCTGCACGGGCCAAAGACAGGTCCATGGTCCTTGGTTGTGAGCTG-3'